The following is an entry in ClinVar:

NM_001127222.2(CACNA1A):c.5650G>A (p.Val1884Ile)

Gene: CACNA1A (calcium voltage-gated channel subunit alpha1 A; minus strand). Cytogenetic location: 19p13.13.
Variant type: single nucleotide variant.
Coding change: c.5650G>A on transcript NM_001127222.2 (MANE Select); coding-DNA position 5650, G replaced by A.
Protein change: p.Val1884Ile; replaces valine 1884 with isoleucine.
Molecular consequence: missense variant.
Genome position (GRCh38, 1-based): chr19:13,224,748, C>T on the plus strand (G>A on the coding strand, the complement: CACNA1A is on the minus strand). VCF-style: chr19-13224748-C-T. GRCh37 (hg19) VCF-style: chr19-13335562-C-T.
Other names: c.5668G>A, p.Val1890Ile (NM_000068.4, NM_023035.3); c.5653G>A, p.Val1885Ile (NM_001127221.2); c.5659G>A, p.Val1887Ile (NM_001174080.2); c.5653G>A (NM_000068.2); c.5650G>A (NM_001127222.1); short protein forms V1885I, V1887I, V1890I, V1884I.
Identifiers: ClinVar variation 384036 (VCV000384036.29), dbSNP rs201836062, ClinGen allele CA9239626.
Genomic context (GRCh38, chr19:13,224,748, plus strand): 5'-GGGCTGTGCGGATCAGAGCCATGAGGGTGGAATTGAAGTGGACGGTGTTGTCATCTGCGA[C>T]GGGCAGGTCCATCCGCAGAAGCCGCTACAGAAAACCCAAGGCAAGCGCAGTCATTCCCAG-3'
Protein context (NP_001120694.1, residues 1874-1894): YKRLLRMDLP[Val1884Ile]ADDNTVHFNS

ClinVar aggregate classification (germline): Conflicting classifications of pathogenicity. Review status: criteria provided, conflicting classifications (1 of 4 stars). 8 submissions from 8 submitters: Uncertain significance (1); Benign (2); Likely benign (4). 1 of the submissions does not count toward it. Last evaluated 2026-01-04.

Conditions:
CACNA1A-related disorder. Also called: CACNA1A-related condition.
Spinocerebellar ataxia type 6 (SCA6). Identifiers: Orphanet 98758, MedGen C0752124, MONDO:0008457, OMIM 183086.
Episodic ataxia type 2 (EA2). Also called: ATAXIA, EPISODIC, WITH NYSTAGMUS; ATAXIA, FAMILIAL PAROXYSMAL; CEREBELLAR ATAXIA, PAROXYSMAL, ACETAZOLAMIDE-RESPONSIVE; CEREBELLOPATHY, HEREDITARY PAROXYSMAL; EPISODIC ATAXIA, NYSTAGMUS-ASSOCIATED; ACETAZOLAMIDE-RESPONSIVE HEREDITARY PAROXYSMAL CEREBELLAR ATAXIA. Identifiers: Orphanet 97, MedGen C1720416, MONDO:0007163, OMIM 108500.
Developmental and epileptic encephalopathy, 42 (DEE42A). Also called: Epileptic encephalopathy, early infantile, 42; DEVELOPMENTAL AND EPILEPTIC ENCEPHALOPATHY 42A; EPILEPTIC ENCEPHALOPATHY, EARLY INFANTILE, 42A. Identifiers: MedGen C4310716, MONDO:0014917, OMIM 617106.
Migraine, familial hemiplegic, 1. Also called: MIGRAINE, FAMILIAL HEMIPLEGIC 1, WITH PROGRESSIVE CEREBELLAR ATAXIA. Identifiers: Orphanet 569, MedGen C1832884, MONDO:0020756, OMIM 141500, MONDO:0007714.
Inborn genetic diseases. Identifiers: MedGen C0950123, MeSH D030342.

Allele frequency attached by ClinVar (database versions not stated): ExAC 0.00029; gnomAD 0.00060 and 0.00070; TOPMed 0.00069; ESP Exome Variant Server 0.00081; gnomAD exomes 0.00007 and 0.00018; 1000 Genomes Project 30x 0.00016; 1000 Genomes Project 0.00020.
gnomAD v4.1: 196 of 1,609,356 alleles (0.012%); highest among the groups gnomAD compares: African/African-American, 0.18%; 1 homozygote.

Submissions (8):

Labcorp Genetics (formerly Invitae), Labcorp
Classification: Likely benign for Developmental and epileptic encephalopathy, 42; Episodic ataxia type 2. Last evaluated: 2026-01-04. Review status: criteria provided, single submitter. Criteria: Invitae Variant Classification Sherloc (09022015). Collection method: clinical testing. Allele origin: germline.

Women's Health and Genetics/Laboratory Corporation of America, LabCorp
Classification: Likely benign. Last evaluated: 2024-04-04. Review status: criteria provided, single submitter. Criteria: LabCorp Variant Classification Summary - May 2015. Collection method: clinical testing. Allele origin: germline.
Comment: Variant summary: CACNA1A c.5653G>A (p.Val1885Ile) results in a conservative amino acid change in the encoded protein sequence. Four of five in-silico tools predict a benign effect of the variant on protein function. The variant allele was found at a frequency of 0.00018 in 238884 control chromosomes, suggesting that the variant may be benign. To our knowledge, no occurrence of c.5653G>A in individuals affected with Epileptic Encephalopathy, Early Infantile, 42 and no experimental evidence demonstrating its impact on protein function have been reported. ClinVar contains an entry for this variant (Variation ID: 384036). Based on the evidence outlined above, the variant was classified as likely benign.

GeneDx
Classification: Benign. Last evaluated: 2021-05-03. Review status: criteria provided, single submitter. Criteria: GeneDx Variant Classification Process June 2021. Collection method: clinical testing. Allele origin: germline. Affected: yes.

Athena Diagnostics
Classification: Benign. Last evaluated: 2021-04-05. Review status: criteria provided, single submitter. Criteria: Athena Diagnostics criteria. Collection method: clinical testing. Allele origin: unknown.

Eurofins Ntd Llc (ga)
Classification: Uncertain significance. Last evaluated: 2017-07-25. Review status: criteria provided, single submitter. Criteria: EGL Classification Definitions 2015. Collection method: clinical testing. Allele origin: germline. Observed: 2 variant alleles, 2 heterozygotes.

Ambry Genetics
Classification: Likely benign for Inborn genetic diseases. Last evaluated: 2017-06-01. Review status: criteria provided, single submitter. Criteria: Ambry Variant Classification Scheme 2023. Collection method: clinical testing. Allele origin: germline.

Center for Genomics, Ann and Robert H. Lurie Children's Hospital of Chicago
Classification: Likely benign for Spinocerebellar ataxia type 6; Episodic ataxia type 2; Developmental and epileptic encephalopathy, 42; Migraine, familial hemiplegic, 1. Review status: criteria provided, single submitter. Criteria: ACMG Guidelines, 2015. Collection method: clinical testing. Allele origin: germline.
Comment: This variant has not been reported in the literature but is present in the Genome Aggregation Database (Highest reported MAF 0.2% (85/41384). This variant is present in ClinVar, with several labs classifying this variant as Likely Benign or Benign (Variation ID:384036). This variant amino acid Isoleucine (Ile) is present in several species; this suggests that this variant may not impact the protein. However, additional computational prediction tools do suggest an impact. In summary, data on this variant suggests that this variant does not cause disease but requires further evidence. Therefore, this variant is classified as likely benign.

PreventionGenetics, part of Exact Sciences
Classification: Likely benign for CACNA1A-related condition. Last evaluated: 2022-02-08. Review status: no assertion criteria provided. Collection method: clinical testing. Allele origin: germline. Not counted in ClinVar's aggregate classification.
Comment: This variant is classified as likely benign based on ACMG/AMP sequence variant interpretation guidelines (Richards et al. 2015 PMID: 25741868, with internal and published modifications).